The following is an entry in ClinVar:

NM_001123385.2(BCOR):c.2275A>C (p.Thr759Pro)

Gene: BCOR (BCL6 corepressor; minus strand). Cytogenetic location: Xp11.4.
Variant type: single nucleotide variant.
Coding change: c.2275A>C on transcript NM_001123385.2 (MANE Select); coding-DNA position 2275, A replaced by C.
Protein change: p.Thr759Pro; replaces threonine 759 with proline.
Molecular consequence: missense variant.
Genome position (GRCh38, 1-based): chrX:40,073,071, T>G on the plus strand (A>C on the coding strand, the complement: BCOR is on the minus strand). VCF-style: chrX-40073071-T-G. GRCh37 (hg19) VCF-style: chrX-39932324-T-G.
Other names: c.2275A>C, p.Thr759Pro (NM_001123383.2, NM_001123384.2, NM_017745.6); short protein forms T759P.
Identifiers: ClinVar variation 2254914 (VCV002254914.3), dbSNP rs1280318711, ClinGen allele CA412743329.

ClinVar aggregate classification (germline): Uncertain significance. Review status: criteria provided, multiple submitters, no conflicts (2 of 4 stars). 2 submissions from 2 submitters: Uncertain significance (2). Last evaluated 2023-05-09.

Conditions:
Inborn genetic diseases. Identifiers: MedGen C0950123, MeSH D030342.

Allele frequency attached by ClinVar (database versions not stated): gnomAD exomes below 0.00001.
gnomAD v4.1: 1 of 1,211,514 alleles (0.000083%); highest among the groups gnomAD compares: Admixed American, 0.0022%; no homozygotes.

Submissions (2):

GeneDx
Classification: Uncertain significance. Last evaluated: 2023-05-09. Review status: criteria provided, single submitter. Criteria: GeneDx Variant Classification Process June 2021. Collection method: clinical testing. Allele origin: germline. Affected: yes.
Comment: Not observed at significant frequency in large population cohorts (gnomAD); In silico analysis supports that this missense variant does not alter protein structure/function; Has not been previously published as pathogenic or benign to our knowledge

Ambry Genetics
Classification: Uncertain significance for Inborn genetic diseases. Last evaluated: 2021-10-12. Review status: criteria provided, single submitter. Criteria: Ambry Variant Classification Scheme 2023. Collection method: clinical testing. Allele origin: germline.